The following is an entry in ClinVar:

ClinVar aggregate classification (germline): Uncertain significance. Review status: criteria provided, multiple submitters, no conflicts (2 of 4 stars). 3 submissions from 3 submitters: Uncertain significance (3). Last evaluated 2022-09-08.

Conditions:
Autosomal recessive ataxia, Beauce type. Also called: SYNE1-Related Autosomal Recessive Cerebellar Ataxia; Spinocerebellar ataxia, autosomal recessive 8; ATAXIA, RECESSIVE, OF BEAUCE; SYNE1 Deficiency. Identifiers: Orphanet 88644, MedGen C1853116, MONDO:0012549, OMIM 610743.
Emery-Dreifuss muscular dystrophy 4, autosomal dominant (EDMD4). Also called: EMERY-DREIFUSS MUSCULAR DYSTROPHY 4 WITH VARIABLE FEATURES. Identifiers: Orphanet 261, MedGen C2751807, MONDO:0013071, OMIM 612998.

Allele frequency attached by ClinVar (database versions not stated): gnomAD exomes below 0.00001; gnomAD 0.00001.
gnomAD v4.1: 12 of 1,613,612 alleles (0.00074%); highest among the groups gnomAD compares: Non-Finnish European, 0.001%; no homozygotes.

Submissions (3):

Athena Diagnostics
Classification: Uncertain significance. Last evaluated: 2022-09-08. Review status: criteria provided, single submitter. Criteria: Athena Diagnostics Criteria. Collection method: clinical testing. Allele origin: unknown.

GeneDx
Classification: Uncertain significance. Last evaluated: 2022-02-21. Review status: criteria provided, single submitter. Criteria: GeneDx Variant Classification Process June 2021. Collection method: clinical testing. Allele origin: germline. Affected: yes.
Comment: Not observed at significant frequency in large population cohorts (gnomAD); In silico analysis supports that this missense variant has a deleterious effect on protein structure/function; Has not been previously published as pathogenic or benign to our knowledge

Labcorp Genetics (formerly Invitae), Labcorp
Classification: Uncertain significance for Emery-Dreifuss muscular dystrophy 4, autosomal dominant; Autosomal recessive ataxia, Beauce type. Last evaluated: 2019-07-15. Review status: criteria provided, single submitter. Criteria: Invitae Variant Classification Sherloc (09022015). Collection method: clinical testing. Allele origin: germline.
Comment: In summary, the available evidence is currently insufficient to determine the role of this variant in disease. Therefore, it has been classified as a Variant of Uncertain Significance. Algorithms developed to predict the effect of missense changes on protein structure and function do not agree on the potential impact of this missense change (SIFT: "Deleterious"; PolyPhen-2: "Possibly Damaging"; Align-GVGD: "Class C15"). This variant has not been reported in the literature in individuals with SYNE1-related disease. This variant is not present in population databases (ExAC no frequency). This sequence change replaces arginine with proline at codon 5232 of the SYNE1 protein (p.Arg5232Pro). The arginine residue is highly conserved and there is a moderate physicochemical difference between arginine and proline.

NM_182961.4(SYNE1):c.15908G>C (p.Arg5303Pro)

Gene: SYNE1 (spectrin repeat containing nuclear envelope protein 1; minus strand). Cytogenetic location: 6q25.2.
Variant type: single nucleotide variant.
Coding change: c.15908G>C on transcript NM_182961.4 (MANE Select); coding-DNA position 15908, G replaced by C.
Protein change: p.Arg5303Pro; replaces arginine 5303 with proline.
Molecular consequence: missense variant.
Genome position (GRCh38, 1-based): chr6:152,323,487, C>G on the plus strand (G>C on the coding strand, the complement: SYNE1 is on the minus strand). VCF-style: chr6-152323487-C-G. GRCh37 (hg19) VCF-style: chr6-152644622-C-G.
Other names: c.15695G>C, p.Arg5232Pro (NM_033071.5); short protein forms R5232P, R5303P.
Identifiers: ClinVar variation 538388 (VCV000538388.12), dbSNP rs537825329, ClinGen allele CA150216151.